The following is an entry in ClinVar:

ClinVar aggregate classification (germline): Uncertain significance (1 of 4 stars; one submission).

Allele frequency attached by ClinVar (database versions not stated): gnomAD exomes below 0.00001.
gnomAD v4.1: 1 of 1,614,174 alleles (0.000062%); highest among the groups gnomAD compares: Non-Finnish European, 0.000085%; no homozygotes.

Submission:

Ambry Genetics
Classification: Uncertain significance. Last evaluated: 2023-04-18. Review status: criteria provided, single submitter. Criteria: Ambry Variant Classification Scheme 2023. Collection method: clinical testing. Allele origin: germline.
Comment: The p.A1289P variant (also known as c.3865G>C), located in coding exon 4 of the ALPK2 gene, results from a G to C substitution at nucleotide position 3865. The alanine at codon 1289 is replaced by proline, an amino acid with highly similar properties. This amino acid position is conserved. In addition, this alteration is predicted to be tolerated by in silico analysis. Since supporting evidence is limited at this time, the clinical significance of this alteration remains unclear.

NM_052947.4(ALPK2):c.3865G>C (p.Ala1289Pro)

Genes: ALPK2 (alpha kinase 2; minus strand), LOC126862764 (BRD4-independent group 4 enhancer GRCh37_chr18:56202574-56203773; plus strand). Cytogenetic location: 18q21.31.
Variant type: single nucleotide variant.
Coding change: c.3865G>C on transcript NM_052947.4 (MANE Select); coding-DNA position 3865, G replaced by C.
Protein change: p.Ala1289Pro; replaces alanine 1289 with proline.
Molecular consequence: missense variant.
Genome position (GRCh38, 1-based): chr18:58,536,322, C>G on the plus strand (G>C on the coding strand, the complement: ALPK2 is on the minus strand). VCF-style: chr18-58536322-C-G. GRCh37 (hg19) VCF-style: chr18-56203554-C-G.
Other names: short protein forms A1289P.
Identifiers: ClinVar variation 2560591 (VCV002560591.2), dbSNP rs2518875822, ClinGen allele CA402565336.
Genomic context (GRCh38, chr18:58,536,322, plus strand): 5'-CAGCAAGGGCTGACTCAGCATCCTCTGGACTGTGAGCCAATGCTGCTATTTCAGAGGGGG[C>G]CAATTCAGGCACAACAGCATCTGCCTTTAGACTATCAGGTACAGCCCAGACCTTGTCAGG-3'
Protein context (NP_443179.3, residues 1279-1299): LKADAVVPEL[Ala1289Pro]PSEIAALAHS